The following continues an entry in ClinVar:

NM_139027.6(ADAMTS13):c.1370C>T (p.Pro457Leu)

Gene: ADAMTS13. ClinVar aggregate classification (germline): Conflicting classifications of pathogenicity. Likely pathogenic (3); Uncertain significance (7); Likely benign (1).

Submissions 12 to 13 of 13:

PreventionGenetics, part of Exact Sciences
Classification: Uncertain significance for ADAMTS13-related condition. Last evaluated: 2024-02-28. Review status: no assertion criteria provided. Collection method: clinical testing. Allele origin: germline. Not counted in ClinVar's aggregate classification.
Comment: The ADAMTS13 c.1370C>T variant is predicted to result in the amino acid substitution p.Pro457Leu. This variant has been reported in the compound heterozygous state in individuals with thrombotic thrombocytopenic purpura (TTP) (see Patient 3 in Assink et al. 2003. PubMed ID: 12753286; Manea et al. 2007. PubMed ID: 17627784). Functional evidence indicates this variant affects secretion and activity of ADAMTS13 protein and therefore it is possible this variant increases susceptibility for TTP in heterozygous carriers (Katneni et al. 2017. PubMed ID: 28866379; Manea et al. 2007. PubMed ID: 17627784). This variant is reported in 0.57% of alleles in individuals of European (Finnish) descent in gnomAD. At this time, the clinical significance of this variant is uncertain due to the absence of conclusive functional and genetic evidence.

Sydney Genome Diagnostics, Children's Hospital Westmead
Classification: Likely pathogenic for Atypical hemolytic-uremic syndrome. Last evaluated: 2019-04-09. Review status: no assertion criteria provided. Collection method: clinical testing. Allele origin: unknown. Affected: yes. Observed: 2 variant alleles, 2 heterozygotes. Not counted in ClinVar's aggregate classification.
Comment: This variant has been previously reported as a compound heterozygote with another ADAMTS13 variant, in a patient with congenital thrombotic thrombocytopenic purpura (TTP) initially by Assink et al. 2003 Kidney Int 63:1995-9, PMID:12753286. The patient was shown to have less than 5% ADAMTS13 activity compared to 50% activity seen in the father who was heterozygous for the p.Pro457Leu variant (Manea et al. 2007 Eur J Pediatr 166:249-257 PMID:17187257). In vitro studies of the p.Pro457Leu mutant showed reduced activity compared to the wild type (Manea et al. 2007 Br J Haematol 138:651-652, PMID: 176227784). This variant has been reported in the gnomAD browser with an allele frequency of 0.57% (119 out of 20, 848 alleles Finnish European population). In silico analysis of pathogenicity (through Alamut Visual v2.8.1) using PolyPhen2, SIFT and MutationTaster all suggest that this variant is likely to be pathogenic. This variant is considered to be a likely pathogenic according to the ACMG guidelines (Evidence used: PS3, PM3, PP3).

Literature cited by the submitters: PubMed 12753286 (cited by 5 submitters); PubMed 17627784 (cited by 3 submitters); PubMed 1787257 (cited by Mayo Clinic Laboratories, Mayo Clinic); PubMed 19847791 (cited by Mayo Clinic Laboratories, Mayo Clinic); PubMed 23878316 (cited by Mayo Clinic Laboratories, Mayo Clinic and Victorian Clinical Genetics Services, Murdoch Childrens Research Institute); PubMed 28866379 (cited by Mayo Clinic Laboratories, Mayo Clinic and Women's Health and Genetics/Laboratory Corporation of America, LabCorp); PubMed 30046676 (cited by Mayo Clinic Laboratories, Mayo Clinic and Women's Health and Genetics/Laboratory Corporation of America, LabCorp); PubMed 32531546 (cited by Mayo Clinic Laboratories, Mayo Clinic); PubMed 17187257 (cited by 4 submitters); PubMed 28748566 (cited by Women's Health and Genetics/Laboratory Corporation of America, LabCorp); PubMed 32183147 (cited by Women's Health and Genetics/Laboratory Corporation of America, LabCorp); PubMed 23715102 (cited by Women's Health and Genetics/Laboratory Corporation of America, LabCorp).